The following is an entry in ClinVar:

NM_002878.4(RAD51D):c.263+1570T>A

Genes: RAD51L3-RFFL (RAD51L3-RFFL readthrough; minus strand), RAD51D (RAD51 paralog D; minus strand). Cytogenetic location: 17q12.
Variant type: single nucleotide variant.
Coding change: c.263+1570T>A on transcript NM_002878.4 (MANE Select); 1570 bases into the intron after coding-DNA position 263, T replaced by A.
Molecular consequence: intron variant. On other transcripts: missense variant (1).
Genome position (GRCh38, 1-based): chr17:35,116,931, A>T on the plus strand (T>A on the coding strand, the complement: RAD51D is on the minus strand). VCF-style: chr17-35116931-A-T. GRCh37 (hg19) VCF-style: chr17-33443950-A-T.
Other names: p.L84H:CTT>CAT; c.251T>A, p.Leu84His (NM_001142571.2); c.144+2180T>A (NM_133629.3); short protein forms L84H.
Identifiers: ClinVar variation 138878 (VCV000138878.6), dbSNP rs376472075, ClinGen allele CA293039.

ClinVar aggregate classification (germline): Conflicting classifications of pathogenicity. Review status: criteria provided, conflicting classifications (1 of 4 stars). 4 submissions from 4 submitters: Uncertain significance (1); Benign (1). 2 of the submissions do not count toward it. Last evaluated 2021-07-30.

Conditions:
RAD51D-related disorder. Also called: RAD51D-related condition.
Breast-ovarian cancer, familial, susceptibility to, 4. Identifiers: Orphanet 145, MedGen C3280345, MONDO:0013669, OMIM 614291.

Allele frequency attached by ClinVar (database versions not stated): gnomAD exomes 0.00008 and 0.00021; ExAC 0.00030; gnomAD 0.00074 and 0.00078; TOPMed 0.00077; 1000 Genomes Project 30x 0.00078; ESP Exome Variant Server 0.00078; 1000 Genomes Project 0.00080.
gnomAD v4.1: 237 of 1,612,630 alleles (0.015%); highest among the groups gnomAD compares: African/African-American, 0.24%; 2 homozygotes.

Submissions (4):

Department of Pathology and Laboratory Medicine, Sinai Health System
Classification: Uncertain significance for Breast-ovarian cancer, familial, susceptibility to, 4. Last evaluated: 2021-07-30. Review status: criteria provided, single submitter. Criteria: ACMG Guidelines, 2015. Collection method: research. Allele origin: germline.

GeneDx
Classification: Benign. Last evaluated: 2014-02-25. Review status: criteria provided, single submitter. Criteria: GeneDx Variant Classification (06012015). Collection method: clinical testing. Allele origin: germline. Affected: yes.
Comment: This variant is considered likely benign or benign based on one or more of the following criteria: it is a conservative change, it occurs at a poorly conserved position in the protein, it is predicted to be benign by multiple in silico algorithms, and/or has population frequency not consistent with disease.

PreventionGenetics, part of Exact Sciences
Classification: Likely benign for RAD51D-related condition. Last evaluated: 2019-10-08. Review status: no assertion criteria provided. Collection method: clinical testing. Allele origin: germline. Not counted in ClinVar's aggregate classification.
Comment: This variant is classified as likely benign based on ACMG/AMP sequence variant interpretation guidelines (Richards et al. 2015 PMID: 25741868, with internal and published modifications).

Counsyl
Classification: Likely benign for Breast-ovarian cancer, familial, susceptibility to, 4. Last evaluated: 2016-09-28. Review status: no assertion criteria provided. Collection method: clinical testing. Allele origin: unknown. Not counted in ClinVar's aggregate classification.